The following is an entry in ClinVar:

NM_006231.4(POLE):c.5552+3G>C

Gene: POLE (DNA polymerase epsilon, catalytic subunit; minus strand). Cytogenetic location: 12q24.33.
Variant type: single nucleotide variant.
Coding change: c.5552+3G>C on transcript NM_006231.4 (MANE Select); 3 bases into the intron after coding-DNA position 5552, G replaced by C.
Molecular consequence: intron variant.
Genome position (GRCh38, 1-based): chr12:132,639,122, C>G on the plus strand (G>C on the coding strand, the complement: POLE is on the minus strand). VCF-style: chr12-132639122-C-G. GRCh37 (hg19) VCF-style: chr12-133215708-C-G.
Other names: c.5552+3G>C (NM_006231.2).
Identifiers: ClinVar variation 2906227 (VCV002906227.4), dbSNP rs367980849, ClinGen allele CA246299630.

ClinVar aggregate classification (germline): Uncertain significance. Review status: criteria provided, multiple submitters, no conflicts (2 of 4 stars). 2 submissions from 2 submitters: Uncertain significance (2). Last evaluated 2025-12-11.

Conditions:
Hereditary cancer-predisposing syndrome. Also called: Hereditary Cancer Syndrome; Hereditary neoplastic syndrome; Tumor predisposition; Neoplastic Syndromes, Hereditary. Identifiers: Orphanet 140162, MedGen C0027672, MeSH D009386, MONDO:0015356.

Allele frequency attached by ClinVar (database versions not stated): ESP Exome Variant Server 0.00008.

Submissions (2):

Ambry Genetics
Classification: Uncertain significance for Hereditary cancer-predisposing syndrome. Last evaluated: 2025-12-11. Review status: criteria provided, single submitter. Criteria: Ambry Variant Classification Scheme 2023. Collection method: clinical testing. Allele origin: germline.
Comment: The c.5552+3G>C intronic variant results from a G to C substitution 3 nucleotides after coding exon 40 in the POLE gene. This nucleotide position is well conserved in available vertebrate species. In silico splice site analysis predicts that this alteration will weaken the native splice donor site. Based on the available evidence, the clinical significance of this variant remains unclear.

Labcorp Genetics (formerly Invitae), Labcorp
Classification: Uncertain significance. Last evaluated: 2023-08-09. Review status: criteria provided, single submitter. Criteria: Invitae Variant Classification Sherloc (09022015). Collection method: clinical testing. Allele origin: germline.
Comment: In summary, the available evidence is currently insufficient to determine the role of this variant in disease. Therefore, it has been classified as a Variant of Uncertain Significance. Variants that disrupt the consensus splice site are a relatively common cause of aberrant splicing (PMID: 17576681, 9536098). Studies have shown that this variant is associated with altered splicing resulting in unknown protein product impact (Invitae). This variant has not been reported in the literature in individuals affected with POLE-related conditions. This variant is not present in population databases (gnomAD no frequency). This sequence change falls in intron 40 of the POLE gene. It does not directly change the encoded amino acid sequence of the POLE protein. It affects a nucleotide within the consensus splice site.

Literature cited by the submitters: PubMed 17576681 (cited by Labcorp Genetics (formerly Invitae), Labcorp); PubMed 9536098 (cited by Labcorp Genetics (formerly Invitae), Labcorp).